The following is an entry in ClinVar:

ClinVar aggregate classification (germline): Uncertain significance. Review status: criteria provided, multiple submitters, no conflicts (2 of 4 stars). 2 submissions from 2 submitters: Uncertain significance (2). Last evaluated 2024-09-30.

Conditions:
Ehlers-Danlos syndrome, classic type, 1 (EDSCL1). Also called: EHLERS-DANLOS SYNDROME, GRAVIS TYPE; EHLERS-DANLOS SYNDROME, SEVERE CLASSIC TYPE; Ehlers-Danlos syndrome, type 1; Ehlers-Danlos Syndrome, Classic Type, COL5A1-Related; EDS I. Identifiers: MedGen C0268335, MONDO:0019567, OMIM 130000.

Submissions (2):

Women's Health and Genetics/Laboratory Corporation of America, LabCorp
Classification: Uncertain significance. Last evaluated: 2024-09-30. Review status: criteria provided, single submitter. Criteria: LabCorp Variant Classification Summary - May 2015. Collection method: clinical testing. Allele origin: germline.
Comment: Variant summary: COL5A2 c.1015G>A (p.Gly339Arg) results in a non-conservative amino acid change in the encoded protein sequence. Five of five in-silico tools predict a damaging effect of the variant on protein function. The variant was absent in 251386 control chromosomes. The available data on variant occurrences in the general population are insufficient to allow any conclusion about variant significance. To our knowledge, no occurrence of c.1015G>A in individuals affected with Ehlers-Danlos Syndrome and no experimental evidence demonstrating its impact on protein function have been reported. ClinVar contains an entry for this variant (Variation ID: 2691399). Based on the evidence outlined above, the variant was classified as uncertain significance.

Labcorp Genetics (formerly Invitae), Labcorp
Classification: Uncertain significance for Ehlers-Danlos syndrome, classic type, 1. Last evaluated: 2023-10-06. Review status: criteria provided, single submitter. Criteria: Invitae Variant Classification Sherloc (09022015). Collection method: clinical testing. Allele origin: germline.
Comment: This sequence change replaces glycine, which is neutral and non-polar, with arginine, which is basic and polar, at codon 339 of the COL5A2 protein (p.Gly339Arg). This variant is not present in population databases (gnomAD no frequency). This variant has not been reported in the literature in individuals affected with COL5A2-related conditions. Advanced modeling of protein sequence and biophysical properties (such as structural, functional, and spatial information, amino acid conservation, physicochemical variation, residue mobility, and thermodynamic stability) performed at Invitae indicates that this missense variant is expected to disrupt COL5A2 protein function. In summary, the available evidence is currently insufficient to determine the role of this variant in disease. Therefore, it has been classified as a Variant of Uncertain Significance.

NM_000393.5(COL5A2):c.1015G>A (p.Gly339Arg)

Gene: COL5A2 (collagen type V alpha 2 chain; minus strand). Cytogenetic location: 2q32.2.
Variant type: single nucleotide variant.
Coding change: c.1015G>A on transcript NM_000393.5 (MANE Select); coding-DNA position 1015, G replaced by A.
Protein change: p.Gly339Arg; replaces glycine 339 with arginine.
Molecular consequence: missense variant.
Genome position (GRCh38, 1-based): chr2:189,078,560, C>T on the plus strand (G>A on the coding strand, the complement: COL5A2 is on the minus strand). VCF-style: chr2-189078560-C-T. GRCh37 (hg19) VCF-style: chr2-189943286-C-T.
Other names: short protein forms G339R.
Identifiers: ClinVar variation 2691399 (VCV002691399.5), dbSNP rs2469338627, ClinGen allele CA349855819.